The following is an entry in ClinVar:

ClinVar aggregate classification (germline): Uncertain significance (1 of 4 stars; one submission).

Conditions:
RASopathy. Also called: Noonan spectrum disorder; rasopathies. Identifiers: Orphanet 536391, MedGen C5555857, MONDO:0021060.

Submission:

Labcorp Genetics (formerly Invitae), Labcorp
Classification: Uncertain significance for RASopathy. Last evaluated: 2023-06-18. Review status: criteria provided, single submitter. Criteria: Invitae Variant Classification Sherloc (09022015). Collection method: clinical testing. Allele origin: unknown.
Comment: In summary, the available evidence is currently insufficient to determine the role of this variant in disease. Therefore, it has been classified as a Variant of Uncertain Significance. This variant has not been reported in the literature in individuals affected with MAP2K1-related conditions. This variant results in a copy number gain of the genomic region encompassing exon(s) 5 of the MAP2K1 gene. While the exact position of this variant cannot be determined from the data, sub-genic copy number gains are generally in tandem (PMID: 25640679). This variant is predicted to be out-of-frame, and may result in an absent or disrupted protein product. However, the current clinical and genetic evidence is not sufficient to establish whether loss-of-function variants in MAP2K1 cause disease.

Literature cited by the submitters: PubMed 25640679.

NC_000015.9:g.(?_66736974)_(66737065_?)dup

Gene: MAP2K1 (mitogen-activated protein kinase kinase 1; plus strand). Cytogenetic location: 15q22.31.
Variant type: Duplication.
Identifiers: ClinVar variation 3243833 (VCV003243833.1).